The following is an entry in ClinVar:

ClinVar aggregate classification (germline): Uncertain significance (1 of 4 stars; one submission).

gnomAD v4.1: 1 of 1,614,196 alleles (0.000062%); no homozygotes.

Submission:

Mayo Clinic Laboratories, Mayo Clinic
Classification: Uncertain significance. Last evaluated: 2025-06-08. Review status: criteria provided, single submitter. Criteria: ACMG Guidelines, 2015. Collection method: clinical testing. Allele origin: germline. Observed: 1 variant allele.
Comment: BP4, PM2_supporting

NM_001166114.2(PNPLA6):c.2338G>A (p.Val780Met)

Gene: PNPLA6 (patatin like domain 6, lysophospholipase; plus strand). Cytogenetic location: 19p13.2.
Variant type: single nucleotide variant.
Coding change: c.2338G>A on transcript NM_001166114.2 (MANE Select); coding-DNA position 2338, G replaced by A.
Protein change: p.Val780Met; replaces valine 780 with methionine.
Molecular consequence: missense variant.
Genome position (GRCh38, 1-based): chr19:7,553,952, G>A. VCF-style: chr19-7553952-G-A. GRCh37 (hg19) VCF-style: chr19-7618838-G-A.
Other names: p.Val742Met; c.2368G>A, p.Val790Met (NM_001166111.2); c.2143G>A, p.Val715Met (NM_001166112.2); c.2224G>A, p.Val742Met (NM_001166113.1, NM_006702.5); short protein forms V780M, V790M, V715M, V742M.
Identifiers: ClinVar variation 4542294 (VCV004542294.1).